The following is an entry in ClinVar:

ClinVar aggregate classification (germline): Conflicting classifications of pathogenicity. Review status: criteria provided, conflicting classifications (1 of 4 stars). 4 submissions from 4 submitters: Likely pathogenic (1); Uncertain significance (3). Last evaluated 2025-11-03.

Conditions:
Cystic fibrosis (CF). Also called: MUCOVISCIDOSIS. Identifiers: Orphanet 586, MedGen C0010674, MONDO:0009061, OMIM 219700. Disease mechanism: loss of function.
CFTR-related disorder (CFTR-RD). Also called: CFTR-related disorders; CFTR-related condition. Identifiers: MedGen C5924204, MONDO:7770004.

Submissions (4):

Natera, Inc.
Classification: Likely pathogenic for CFTR-related disorders. Last evaluated: 2025-11-03. Review status: criteria provided, single submitter. Criteria: Natera Variant Classification Schema (03/2026). Collection method: clinical testing. Allele origin: germline.
Comment: The c.701C>A variant in CFTR is a missense variant predicted to cause substitution of alanine to aspartic acid at amino acid 234. This variant is rare in the general population with a frequency below the threshold expected for the associated phenotype(s). This variant has been observed in one or more individuals affected with the associated recessive disease, as either homozygous or compound heterozygous with a second variant (PMID: 38026150). This variant has been identified in one or more affected individual with a phenotype highly consistent with the associated gene (PMID: 38026150). Functional studies show that this variant may disrupt protein function (PMID: 38388235). Computational prediction algorithms indicate this variant is likely to affect gene or protein function. Given the available evidence, this variant is classified as Likely Pathogenic.

Genome-Nilou Lab
Classification: Uncertain significance for Cystic fibrosis. Last evaluated: 2021-09-05. Review status: criteria provided, single submitter. Criteria: ACMG Guidelines, 2015. Collection method: clinical testing. Allele origin: germline. Affected: no.

Labcorp Genetics (formerly Invitae), Labcorp
Classification: Uncertain significance for Cystic fibrosis. Last evaluated: 2019-11-08. Review status: criteria provided, single submitter. Criteria: Invitae Variant Classification Sherloc (09022015). Collection method: clinical testing. Allele origin: germline.
Comment: Algorithms developed to predict the effect of missense changes on protein structure and function (SIFT, PolyPhen-2, Align-GVGD) all suggest that this variant is likely to be tolerated, but these predictions have not been confirmed by published functional studies and their clinical significance is uncertain. This variant has not been reported in the literature in individuals with CFTR-related conditions. ClinVar contains an entry for this variant (Variation ID: 618963). In summary, the available evidence is currently insufficient to determine the role of this variant in disease. Therefore, it has been classified as a Variant of Uncertain Significance. This sequence change replaces alanine with aspartic acid at codon 234 of the CFTR protein (p.Ala234Asp). The alanine residue is weakly conserved and there is a moderate physicochemical difference between alanine and aspartic acid. This variant is not present in population databases (ExAC no frequency).

Mendelics
Classification: Uncertain significance for Cystic fibrosis. Last evaluated: 2018-11-05. Review status: criteria provided, single submitter. Criteria: Mendelics Assertion Criteria 2017. Collection method: clinical testing. Allele origin: unknown. Affected: yes.

Literature cited by the submitters: PubMed 38026150 (cited by Natera, Inc.); PubMed 38388235 (cited by Natera, Inc.).

NM_000492.4(CFTR):c.701C>A (p.Ala234Asp)

Gene: CFTR (CF transmembrane conductance regulator; plus strand). Cytogenetic location: 7q31.2.
Variant type: single nucleotide variant.
Coding change: c.701C>A on transcript NM_000492.4 (MANE Select); coding-DNA position 701, C replaced by A.
Protein change: p.Ala234Asp; replaces alanine 234 with aspartic acid.
Molecular consequence: missense variant.
Genome position (GRCh38, 1-based): chr7:117,535,369, C>A. VCF-style: chr7-117535369-C-A. GRCh37 (hg19) VCF-style: chr7-117175423-C-A.
Other names: short protein forms A234D.
Identifiers: ClinVar variation 618963 (VCV000618963.14), dbSNP rs769016520, ClinGen allele CA368977095.